The following is an entry in ClinVar:

NM_001348800.3(ZBTB20):c.1350del (p.Asn450fs)

Gene: ZBTB20 (zinc finger and BTB domain containing 20; minus strand). Cytogenetic location: 3q13.31.
Variant type: Deletion.
Coding change: c.1350del on transcript NM_001348800.3 (MANE Select); coding-DNA position 1350, one base deleted (C; older notation c.1350delC).
Protein change: p.Asn450fs; shifts the reading frame from asparagine 450.
Molecular consequence: frameshift variant.
Genome position (GRCh38, 1-based): chr3:114,350,728, G deleted on the plus strand (C on the coding strand, the reverse complement: ZBTB20 is on the minus strand). VCF-style (leftmost placement, unchanged base first): chr3-114350727-TG-T. GRCh37 (hg19) VCF-style: chr3-114069574-TG-T.
Other names: c.1350del, p.Asn450fs (NM_001164342.2, NM_001348803.3, NM_001393393.1 and 1 more transcripts); c.1131del, p.Asn377fs (NM_001164343.2, NM_001164344.4, NM_001164345.4 and 9 more transcripts); c.1350delC (NM_001164342.2); short protein forms N450fs, N377fs.
Identifiers: ClinVar variation 817210 (VCV000817210.1), dbSNP rs1576283052, ClinGen allele CA915941526.

ClinVar aggregate classification (germline): Likely pathogenic (1 of 4 stars; one submission).

Submission:

GeneDx
Classification: Likely pathogenic. Last evaluated: 2018-08-30. Review status: criteria provided, single submitter. Criteria: GeneDx Variant Classification (06012015). Collection method: clinical testing. Allele origin: germline. Affected: yes.
Comment: A variant that is likely pathogenic has been identified in the ZBTB20 gene. The c.1350delC variant has not been published as a pathogenic variant, nor has it been reported as a benign variant to our knowledge. This variant is not observed in large population cohorts (Lek et al., 2016). The c.1350delC variant causes a frameshift starting with codon Asparagine 450, changes this amino acid to a Lysine residue, and creates a premature Stop codon at position 38 of the new reading frame, denoted p.Asn450LysfsX38. This variant is predicted to cause loss of normal protein function either through protein truncation or nonsense-mediated mRNA decay. Therefore, the c.1350delC variant is likely pathogenic.